The following is an entry in ClinVar:

ClinVar aggregate classification (germline): Uncertain significance (1 of 4 stars; one submission).

gnomAD v4.1: 1 of 1,614,028 alleles (0.000062%); highest among the groups gnomAD compares: East Asian, 0.0022%; no homozygotes.

Submission:

Labcorp Genetics (formerly Invitae), Labcorp
Classification: Uncertain significance. Last evaluated: 2025-02-16. Review status: criteria provided, single submitter. Criteria: Invitae Variant Classification Sherloc (09022015). Collection method: clinical testing. Allele origin: germline.
Comment: This sequence change creates a premature translational stop signal (p.Trp547*) in the RFWD3 gene. It is expected to result in an absent or disrupted protein product. However, the current clinical and genetic evidence is not sufficient to establish whether loss-of-function variants in RFWD3 cause disease. This variant is present in population databases (no rsID available, gnomAD 0.006%). This variant has not been reported in the literature in individuals affected with RFWD3-related conditions. In summary, the available evidence is currently insufficient to determine the role of this variant in disease. Therefore, it has been classified as a Variant of Uncertain Significance.

NM_018124.4(RFWD3):c.1641G>A (p.Trp547Ter)

Gene: RFWD3 (ring finger and WD repeat domain 3; minus strand). Cytogenetic location: 16q23.1.
Variant type: single nucleotide variant.
Coding change: c.1641G>A on transcript NM_018124.4 (MANE Select); coding-DNA position 1641, G replaced by A.
Protein change: p.Trp547Ter; replaces tryptophan 547 with a stop codon.
Molecular consequence: nonsense. On other transcripts: intron variant (1).
Genome position (GRCh38, 1-based): chr16:74,630,894, C>T on the plus strand (G>A on the coding strand, the complement: RFWD3 is on the minus strand). VCF-style: chr16-74630894-C-T. GRCh37 (hg19) VCF-style: chr16-74664792-C-T.
Other names: c.1641G>A, p.Trp547Ter (NM_001370534.1, NM_001370535.1); c.807G>A, p.Trp269Ter (NM_001370537.1, NM_001370539.1, NM_001370540.1 and 2 more transcripts); c.1577+1629G>A (NM_001370536.1); short protein forms W269*, W547*.
Identifiers: ClinVar variation 4804644 (VCV004804644.1).